The following is an entry in ClinVar:

ClinVar aggregate classification (germline): Uncertain significance (1 of 4 stars; one submission).

Conditions:
Primary open angle glaucoma (POAG). Also called: OPTN-related open angle glaucoma. Identifiers: MedGen C0339573, MONDO:0100553, OMIM 137760.
Amyotrophic lateral sclerosis type 12 (ALS12). Also called: AMYOTROPHIC LATERAL SCLEROSIS 12 WITH OR WITHOUT FRONTOTEMPORAL DEMENTIA. Identifiers: Orphanet 803, MedGen C3150692, MONDO:0013264, OMIM 613435.
Glaucoma 1, open angle, E. Identifiers: MedGen C1842026, MONDO:0007665.

Allele frequency attached by ClinVar (database versions not stated): TOPMed 0.00001; gnomAD 0.00002; gnomAD exomes 0.00003 and 0.00008; ExAC 0.00012.
gnomAD v4.1: 55 of 1,613,992 alleles (0.0034%); highest among the groups gnomAD compares: Admixed American, 0.0033%; no homozygotes.

Submission:

Labcorp Genetics (formerly Invitae), Labcorp
Classification: Uncertain significance for Primary open angle glaucoma; Glaucoma 1, open angle, E; Amyotrophic lateral sclerosis type 12. Last evaluated: 2021-02-02. Review status: criteria provided, single submitter. Criteria: Invitae Variant Classification Sherloc (09022015). Collection method: clinical testing. Allele origin: germline.
Comment: In summary, the available evidence is currently insufficient to determine the role of this variant in disease. Therefore, it has been classified as a Variant of Uncertain Significance. Algorithms developed to predict the effect of missense changes on protein structure and function are either unavailable or do not agree on the potential impact of this missense change (SIFT: "Deleterious"; PolyPhen-2: "Possibly Damaging"; Align-GVGD: "Class C0"). This variant has not been reported in the literature in individuals with OPTN-related conditions. This variant is present in population databases (rs768591421, ExAC 0.02%). This sequence change replaces alanine with threonine at codon 438 of the OPTN protein (p.Ala438Thr). The alanine residue is highly conserved and there is a small physicochemical difference between alanine and threonine.

NM_001008212.2(OPTN):c.1312G>A (p.Ala438Thr)

Gene: OPTN (optineurin; plus strand). Cytogenetic location: 10p13.
Variant type: single nucleotide variant.
Coding change: c.1312G>A on transcript NM_001008212.2 (MANE Select); coding-DNA position 1312, G replaced by A.
Protein change: p.Ala438Thr; replaces alanine 438 with threonine.
Molecular consequence: missense variant.
Genome position (GRCh38, 1-based): chr10:13,127,814, G>A. VCF-style: chr10-13127814-G-A. GRCh37 (hg19) VCF-style: chr10-13169814-G-A.
Other names: c.1312G>A, p.Ala438Thr (NM_001008211.1, NM_001008213.1, NM_021980.4); short protein forms A438T.
Identifiers: ClinVar variation 1414438 (VCV001414438.8), dbSNP rs768591421, ClinGen allele CA5410935.